The following is an entry in ClinVar:

ClinVar aggregate classification (germline): Benign/Likely benign. Review status: criteria provided, multiple submitters, no conflicts (2 of 4 stars). 5 submissions from 5 submitters: Benign (1); Likely benign (4). Last evaluated 2025-12-21.

Conditions:
Epilepsy, childhood absence, susceptibility to, 6. Identifiers: Orphanet 64280, MedGen C2749872, MONDO:0012763, OMIM 611942.
Hyperaldosteronism, familial, type IV (HALD4). Also called: FH IV; ALDOSTERONISM, PRIMARY, AND HYPERTENSION. Identifiers: Orphanet 642671, MedGen C4310756, MONDO:0014875, OMIM 617027.
Idiopathic generalized epilepsy. Also called: Generalised epilepsy; EIG. Identifiers: MedGen C0270850, MONDO:0005579, OMIM 600669.

Allele frequency attached by ClinVar (database versions not stated): ESP Exome Variant Server 0.00008; gnomAD 0.00243 and 0.00260.
gnomAD v4.1: 300 of 159,314 alleles (0.19%); highest among the groups gnomAD compares: Non-Finnish European, 0.28%; no homozygotes.

Submissions (5):

Labcorp Genetics (formerly Invitae), Labcorp
Classification: Likely benign for Idiopathic generalized epilepsy; Hyperaldosteronism, familial, type IV. Last evaluated: 2025-12-21. Review status: criteria provided, single submitter. Criteria: Invitae Variant Classification Sherloc (09022015). Collection method: clinical testing. Allele origin: germline.

Mayo Clinic Laboratories, Mayo Clinic
Classification: Likely benign. Last evaluated: 2025-07-26. Review status: criteria provided, single submitter. Criteria: ACMG Guidelines, 2015. Collection method: clinical testing. Allele origin: germline. Observed: 1 variant allele.
Comment: BP4, BP7

Blueprint Genetics
Classification: Likely benign. Last evaluated: 2024-10-30. Review status: criteria provided, single submitter. Criteria: ACMG Guidelines, 2015. Collection method: clinical testing. Allele origin: germline.

Fulgent Genetics
Classification: Likely benign for Epilepsy, childhood absence, susceptibility to, 6; Hyperaldosteronism, familial, type IV. Last evaluated: 2021-10-21. Review status: criteria provided, single submitter. Criteria: ACMG Guidelines, 2015. Collection method: clinical testing. Allele origin: unknown.

Athena Diagnostics
Classification: Benign. Last evaluated: 2018-05-16. Review status: criteria provided, single submitter. Criteria: Athena Diagnostics Criteria. Collection method: clinical testing. Allele origin: germline.

NM_021098.3(CACNA1H):c.3846-10G>A

Gene: CACNA1H (calcium voltage-gated channel subunit alpha1 H; plus strand). Cytogenetic location: 16p13.3.
Variant type: single nucleotide variant.
Coding change: c.3846-10G>A on transcript NM_021098.3 (MANE Select); 10 bases into the intron before coding-DNA position 3846, G replaced by A.
Molecular consequence: intron variant.
Genome position (GRCh38, 1-based): chr16:1,210,360, G>A. VCF-style: chr16-1210360-G-A. GRCh37 (hg19) VCF-style: chr16-1260360-G-A.
Other names: p.?; c.3846-10G>A (NM_001005407.2).
Identifiers: ClinVar variation 585637 (VCV000585637.15), dbSNP rs377030217, ClinGen allele CA7800980.
Genomic context (GRCh38, chr16:1,210,360, plus strand): 5'-CCTGCAACCCCCATCCACTCTGCCATCCACGCCGCCCCGCCCCACCTCTCACCCGCCCCC[G>A]CCCACCCAGGTTCCGCGTCTCCTGCCAGAAGGTCATCACACACAAGATGTTTGATCACGT-3'